The following is an entry in ClinVar:

ClinVar aggregate classification (germline): Uncertain significance. Review status: criteria provided, multiple submitters, no conflicts (2 of 4 stars). 11 submissions from 10 submitters: Uncertain significance (10). 1 of the submissions does not count toward it. Last evaluated 2026-07-15.

Conditions:
CDH23-related disorder. Also called: CDH23-related disorders; CDH23-related condition.
Pituitary adenoma 5, multiple types. Identifiers: MedGen C4539685, MONDO:0054601, OMIM 617540.
Usher syndrome type 1D (USH1D). Also called: USHER SYNDROME, TYPE ID. Identifiers: Orphanet 231169, Orphanet 886, MedGen C1832845, MONDO:0010984, OMIM 601067.
Autosomal recessive nonsyndromic hearing loss 12. Also called: DEAFNESS, AUTOSOMAL RECESSIVE 12. Identifiers: Orphanet 90636, MedGen C1832394, MONDO:0011067, OMIM 601386.
Usher syndrome type 1 (USH1). Also called: RETINITIS PIGMENTOSA AND CONGENITAL DEAFNESS. Identifiers: Orphanet 231169, Orphanet 886, MedGen C1568247, MONDO:0010168, OMIM 276900.

Allele frequency attached by ClinVar (database versions not stated): ESP Exome Variant Server 0.00008; gnomAD exomes 0.00012; 1000 Genomes Project 30x 0.00016; ExAC 0.00016; 1000 Genomes Project 0.00020; gnomAD 0.00025 and 0.00028; TOPMed 0.00034.
gnomAD v4.1: 626 of 1,613,892 alleles (0.039%); highest among the groups gnomAD compares: Non-Finnish European, 0.047%; 1 homozygote.

Submissions (12):

PreventionGenetics, part of Exact Sciences
Classification: Uncertain significance for CDH23-related condition. Last evaluated: 2026-07-15. Review status: criteria provided, single submitter. Criteria: ACMG Guidelines, 2015. Collection method: clinical testing. Allele origin: germline.
Comment: The CDH23 c.3118G>T variant is predicted to result in the amino acid substitution p.Asp1040Tyr. This variant was reported in an individual with uveitis (supplementary data, Li et al. 2020. PubMed ID: 32707200). This variant is reported in 0.023% of alleles in individuals of European (Non-Finnish) descent in gnomAD. At this time, the clinical significance of this variant is uncertain due to the absence of conclusive functional and genetic evidence.

Women's Health and Genetics/Laboratory Corporation of America, LabCorp
Classification: Uncertain significance. Last evaluated: 2026-04-16. Review status: criteria provided, single submitter. Criteria: LabCorp Variant Classification Summary - May 2015. Collection method: clinical testing. Allele origin: germline.
Comment: Variant summary: CDH23 c.3118G>T (p.Asp1040Tyr) results in a non-conservative amino acid change in the encoded protein sequence. Algorithms developed to predict the effect of missense changes on protein structure and function are either unavailable or do not agree on the potential impact of this missense change. The variant allele was found at a frequency of 0.00012 in 248716 control chromosomes. This frequency is not significantly higher than estimated for disease-causing variants in CDH23, allowing no conclusion about variant significance. To our knowledge, no occurrence of c.3118G>T in individuals affected with CDH23-related conditions and no experimental evidence demonstrating its impact on protein function have been reported. ClinVar contains an entry for this variant (Variation ID: 228489). Based on the evidence outlined above, the variant was classified as uncertain significance.

GeneDx
Classification: Uncertain significance. Last evaluated: 2025-08-09. Review status: criteria provided, single submitter. Criteria: GeneDx Variant Classification Process June 2021. Collection method: clinical testing. Allele origin: germline. Affected: yes.
Comment: Observed in a patient with posterior uveitis in published literature; no specific patient information is available (PMID: 32707200); In silico analysis supports that this missense variant has a deleterious effect on protein structure/function; This variant is associated with the following publications: (PMID: 32707200)

CeGaT Center for Human Genetics Tuebingen
Classification: Uncertain significance. Last evaluated: 2025-01-01. Review status: criteria provided, single submitter. Criteria: CeGaT Center For Human Genetics Tuebingen Variant Classification Criteria Version 2. Collection method: clinical testing. Allele origin: germline. Affected: yes. Observed: 2 variant alleles.
Comment: CDH23: PP3

Blueprint Genetics
Classification: Uncertain significance. Last evaluated: 2024-09-10. Review status: criteria provided, single submitter. Criteria: ACMG Guidelines, 2015. Collection method: clinical testing. Allele origin: germline.

Labcorp Genetics (formerly Invitae), Labcorp
Classification: Uncertain significance. Last evaluated: 2022-10-14. Review status: criteria provided, single submitter. Criteria: Invitae Variant Classification Sherloc (09022015). Collection method: clinical testing. Allele origin: germline.
Comment: This sequence change replaces aspartic acid, which is acidic and polar, with tyrosine, which is neutral and polar, at codon 1040 of the CDH23 protein (p.Asp1040Tyr). This variant is present in population databases (rs200177873, gnomAD 0.02%). This variant has not been reported in the literature in individuals affected with CDH23-related conditions. ClinVar contains an entry for this variant (Variation ID: 228489). Advanced modeling of protein sequence and biophysical properties (such as structural, functional, and spatial information, amino acid conservation, physicochemical variation, residue mobility, and thermodynamic stability) performed at Invitae indicates that this missense variant is not expected to disrupt CDH23 protein function. In summary, the available evidence is currently insufficient to determine the role of this variant in disease. Therefore, it has been classified as a Variant of Uncertain Significance.

Fulgent Genetics
Classification: Uncertain significance for Usher syndrome type 1D; Autosomal recessive nonsyndromic hearing loss 12; Pituitary adenoma 5, multiple types. Last evaluated: 2021-11-17. Review status: criteria provided, single submitter. Criteria: ACMG Guidelines, 2015. Collection method: clinical testing. Allele origin: unknown.

Illumina Laboratory Services, Illumina
Classification: Uncertain significance for Usher syndrome type 1D. Last evaluated: 2018-01-13. Review status: criteria provided, single submitter. Criteria: ICSL Variant Classification Criteria 13 December 2019. Collection method: clinical testing. Allele origin: germline.

Illumina Laboratory Services, Illumina
Classification: Uncertain significance for Autosomal recessive nonsyndromic hearing loss 12. Last evaluated: 2018-01-13. Review status: criteria provided, single submitter. Criteria: ICSL Variant Classification Criteria 13 December 2019. Collection method: clinical testing. Allele origin: germline.

Laboratory for Molecular Medicine, Mass General Brigham Personalized Medicine
Classification: Uncertain significance. Last evaluated: 2015-07-02. Review status: criteria provided, single submitter. Criteria: LMM Criteria. Collection method: clinical testing. Allele origin: germline. Observed: 1 variant allele.
Comment: The p.Asp1040Tyr variant in CDH23 has not been previously reported in individual s with hearing loss or Usher syndrome, but has been identified in 16/65892 Europ ean chromosomes by the Exome Aggregation Consortium (ExAC; dbSNP rs200177873). Computational prediction tools and conservation a nalyses suggest that the p.Asp1040Tyr variant may impact the protein, though thi s information is not predictive enough to determine pathogenicity. In summary, t he clinical significance of the p.Asp1040Tyr variant is uncertain.

Natera, Inc.
Classification: Uncertain significance for Usher syndrome type 1. Last evaluated: 2019-11-11. Review status: no assertion criteria provided. Collection method: clinical testing. Allele origin: germline. Not counted in ClinVar's aggregate classification.

Dr. Peter K. Rogan Lab, Western University
No classification provided (evidence only). Condition: Colon adenocarcinoma. Review status: no classification provided. Collection method: in vitro. Allele origin: not applicable. Functional consequence: retained intron. Not counted in ClinVar's aggregate classification.

NM_022124.6(CDH23):c.3118G>T (p.Asp1040Tyr)

Gene: CDH23 (cadherin related 23; plus strand). Cytogenetic location: 10q22.1.
Variant type: single nucleotide variant.
Coding change: c.3118G>T on transcript NM_022124.6 (MANE Select); coding-DNA position 3118, G replaced by T.
Protein change: p.Asp1040Tyr; replaces aspartic acid 1040 with tyrosine.
Molecular consequence: missense variant.
Genome position (GRCh38, 1-based): chr10:71,709,109, G>T. VCF-style: chr10-71709109-G-T. GRCh37 (hg19) VCF-style: chr10-73468866-G-T.
Other names: c.3118G>T, p.Asp1040Tyr (NM_001171930.2); short protein forms D1040Y.
Identifiers: ClinVar variation 228489 (VCV000228489.46), dbSNP rs200177873, ClinGen allele CA5544487.